The following is an entry in ClinVar:

ClinVar aggregate classification (germline): Uncertain significance (1 of 4 stars; one submission).

Submission:

Labcorp Genetics (formerly Invitae), Labcorp
Classification: Uncertain significance. Last evaluated: 2024-07-03. Review status: criteria provided, single submitter. Criteria: Invitae Variant Classification Sherloc (09022015). Collection method: clinical testing. Allele origin: germline.
Comment: This sequence change creates a premature translational stop signal (p.Glu46Thrfs*67) in the GSN gene. It is expected to result in an absent or disrupted protein product. However, the current clinical and genetic evidence is not sufficient to establish whether loss-of-function variants in GSN cause disease. This variant is not present in population databases (gnomAD no frequency). This variant has not been reported in the literature in individuals affected with GSN-related conditions. In summary, the available evidence is currently insufficient to determine the role of this variant in disease. Therefore, it has been classified as a Variant of Uncertain Significance.

NM_198252.3(GSN):c.-9-1967_-9-1966insACCC

Gene: GSN (gelsolin; plus strand). Cytogenetic location: 9q33.2.
Variant type: Insertion.
Coding change: c.-9-1967_-9-1966insACCC on transcript NM_198252.3 (MANE Select); 1967 bases into the intron before 9 bases upstream of the start codon through 1966 bases into the intron before 9 bases upstream of the start codon, ACCC inserted.
Molecular consequence: intron variant. On other transcripts: frameshift variant (1).
Genome position: GRCh38 VCF-style: chr9-121299993-G-GCCCA. GRCh37 (hg19) VCF-style: chr9-124062271-G-GCCCA.
Other names: c.135_136insACCC, p.Glu46fs (NM_000177.5); c.-9-1967_-9-1966insACCC (NM_001353054.1, NM_001353053.1, NM_001353060.2 and 5 more transcripts); c.-47-60_-47-59insACCC (NM_001353064.2, NM_001353066.2, NM_001353072.2 and 8 more transcripts); c.-1-1975_-1-1974insACCC (NM_001353058.2, NM_001353059.2, NM_001353056.2 and 1 more transcripts); c.-38-69_-38-68insACCC (NM_001353073.2, NM_001353065.2, NM_001353068.2 and 2 more transcripts); c.100-1967_100-1966insACCC (NM_001127663.2); c.-32-75_-32-74insACCC (NM_001353070.2); c.-48-1928_-48-1927insACCC (NM_001353055.2); and 3 more; short protein forms E46fs.
Identifiers: ClinVar variation 3612211 (VCV003612211.2).